The following is an entry in ClinVar:

NM_001283009.2(RTEL1):c.1636+5G>A

Genes: RTEL1 (regulator of telomere elongation helicase 1; plus strand), RTEL1-TNFRSF6B (RTEL1-TNFRSF6B readthrough (NMD candidate); plus strand). Cytogenetic location: 20q13.33.
Variant type: single nucleotide variant.
Coding change: c.1636+5G>A on transcript NM_001283009.2 (MANE Select); 5 bases into the intron after coding-DNA position 1636, G replaced by A.
Molecular consequence: intron variant.
Genome position (GRCh38, 1-based): chr20:63,688,184, G>A. VCF-style: chr20-63688184-G-A. GRCh37 (hg19) VCF-style: chr20-62319537-G-A.
Other names: c.967+5G>A (NM_001283010.1); c.1708+5G>A (NM_032957.5); c.1636+5G>A (NM_016434.4).
Identifiers: ClinVar variation 3587602 (VCV003587602.2).

ClinVar aggregate classification (germline): Uncertain significance. Review status: criteria provided, multiple submitters, no conflicts (2 of 4 stars). 2 submissions from 2 submitters: Uncertain significance (2). Last evaluated 2024-12-03.

Conditions:
Dyskeratosis congenita, autosomal recessive 5 (DKCB5). Identifiers: MedGen C3554656, MONDO:0014076, OMIM 615190.
Pulmonary fibrosis and/or bone marrow failure, Telomere-related, 3. Also called: PULMONARY FIBROSIS AND/OR BONE MARROW FAILURE SYNDROME, TELOMERE-RELATED, 3. Identifiers: Orphanet 2032, MedGen C4225346, MONDO:0014613, OMIM 616373.

Submissions (2):

3billion
Classification: Uncertain significance for Pulmonary fibrosis and/or bone marrow failure, Telomere-related, 3. Last evaluated: 2024-12-03. Review status: criteria provided, single submitter. Criteria: ACMG Guidelines, 2015. Collection method: clinical testing. Allele origin: germline. Affected: yes.
Comment: The variant is not observed in the gnomAD v4.1.0 dataset. Predicted Consequence/Location: Intron variant In silico tools predict the variant to alter splicing and produce an abnormal transcript [SpliceAI: 0.86 (>=0.2, moderate evidence for spliceogenicity)]. Therefore, this variant is classified as VUS according to the recommendation of ACMG/AMP guideline.

Fulgent Genetics
Classification: Uncertain significance for Dyskeratosis congenita, autosomal recessive 5; Pulmonary fibrosis and/or bone marrow failure, Telomere-related, 3. Last evaluated: 2024-03-25. Review status: criteria provided, single submitter. Criteria: ACMG Guidelines, 2015. Collection method: clinical testing. Allele origin: germline.